The following is an entry in ClinVar:

NM_003118.4(SPARC):c.706G>A (p.Gly236Ser)

Gene: SPARC (secreted protein acidic and cysteine rich; minus strand). Cytogenetic location: 5q33.1.
Variant type: single nucleotide variant.
Coding change: c.706G>A on transcript NM_003118.4 (MANE Select); coding-DNA position 706, G replaced by A.
Protein change: p.Gly236Ser; replaces glycine 236 with serine.
Molecular consequence: missense variant.
Genome position (GRCh38, 1-based): chr5:151,666,389, C>T on the plus strand (G>A on the coding strand, the complement: SPARC is on the minus strand). VCF-style: chr5-151666389-C-T. GRCh37 (hg19) VCF-style: chr5-151045950-C-T.
Other names: c.703G>A, p.Gly235Ser (NM_001309443.2); c.706G>A, p.Gly236Ser (NM_001309444.2); short protein forms G236S, G235S.
Identifiers: ClinVar variation 1354120 (VCV001354120.5), dbSNP rs201856432, ClinGen allele CA3522607.
Genomic context (GRCh38, chr5:151,666,389, plus strand): 5'-AGCTCTGTTCACTCTAGGGTCTGGGGTCTTACCCGTCAATGGGGTGCTGGTCCAGCTGGC[C>T]GAACTGCCAGTGTACAGGGAAGATGTACATGTTATAGTTCTTCTCGAAGTCCCGGGCCAG-3'
Protein context (NP_003109.1, residues 226-246): MYIFPVHWQF[Gly236Ser]QLDQHPIDGY

ClinVar aggregate classification (germline): Uncertain significance (1 of 4 stars; one submission).

Allele frequency attached by ClinVar (database versions not stated): ExAC 0.00002; gnomAD exomes 0.00002 and 0.00006; gnomAD 0.00005; TOPMed 0.00006.
gnomAD v4.1: 44 of 1,613,902 alleles (0.0027%); highest among the groups gnomAD compares: Admixed American, 0.017%; no homozygotes.

Submission:

Labcorp Genetics (formerly Invitae), Labcorp
Classification: Uncertain significance. Last evaluated: 2022-06-17. Review status: criteria provided, single submitter. Criteria: Invitae Variant Classification Sherloc (09022015). Collection method: clinical testing. Allele origin: germline.
Comment: This sequence change replaces glycine, which is neutral and non-polar, with serine, which is neutral and polar, at codon 236 of the SPARC protein (p.Gly236Ser). This variant is present in population databases (rs201856432, gnomAD 0.02%). This variant has not been reported in the literature in individuals affected with SPARC-related conditions. Algorithms developed to predict the effect of missense changes on protein structure and function output the following: SIFT: "Tolerated"; PolyPhen-2: "Probably Damaging"; Align-GVGD: "Class C0". The serine amino acid residue is found in multiple mammalian species, which suggests that this missense change does not adversely affect protein function. In summary, the available evidence is currently insufficient to determine the role of this variant in disease. Therefore, it has been classified as a Variant of Uncertain Significance.